The following is an entry in ClinVar:

NM_015570.4(AUTS2):c.1010T>G (p.Leu337Arg)

Gene: AUTS2 (activator of transcription and developmental regulator AUTS2; plus strand). Cytogenetic location: 7q11.22.
Variant type: single nucleotide variant.
Coding change: c.1010T>G on transcript NM_015570.4 (MANE Select); coding-DNA position 1010, T replaced by G.
Protein change: p.Leu337Arg; replaces leucine 337 with arginine.
Molecular consequence: missense variant.
Genome position (GRCh38, 1-based): chr7:70,763,137, T>G. VCF-style: chr7-70763137-T-G. GRCh37 (hg19) VCF-style: chr7-70228123-T-G.
Other names: c.1010T>G, p.Leu337Arg (NM_001127231.3); short protein forms L337R.
Identifiers: ClinVar variation 1960058 (VCV001960058.5), dbSNP rs1364472920, ClinGen allele CA367667654.

ClinVar aggregate classification (germline): Uncertain significance (1 of 4 stars; one submission).

Allele frequency attached by ClinVar (database versions not stated): gnomAD exomes below 0.00001.
gnomAD v4.1: 2 of 1,613,914 alleles (0.00012%); highest among the groups gnomAD compares: Non-Finnish European, 0.00017%; no homozygotes.

Submission:

Labcorp Genetics (formerly Invitae), Labcorp
Classification: Uncertain significance. Last evaluated: 2025-07-21. Review status: criteria provided, single submitter. Criteria: Invitae Variant Classification Sherloc (09022015). Collection method: clinical testing. Allele origin: germline.
Comment: This sequence change replaces leucine, which is neutral and non-polar, with arginine, which is basic and polar, at codon 337 of the AUTS2 protein (p.Leu337Arg). This variant is not present in population databases (gnomAD no frequency). This variant has not been reported in the literature in individuals affected with AUTS2-related conditions. ClinVar contains an entry for this variant (Variation ID: 1960058). An algorithm developed to predict the effect of missense changes on protein structure and function (PolyPhen-2) suggests that this variant is likely to be tolerated. In summary, the available evidence is currently insufficient to determine the role of this variant in disease. Therefore, it has been classified as a Variant of Uncertain Significance.